The following is an entry in ClinVar:

NM_000463.3(UGT1A1):c.1461T>C (p.His487=)

Genes: UGT1A (UDP glucuronosyltransferase family 1 member A complex locus; plus strand), UGT1A1 (UDP glucuronosyltransferase family 1 member A1; plus strand), UGT1A10 (UDP glucuronosyltransferase family 1 member A10; plus strand), UGT1A3 (UDP glucuronosyltransferase family 1 member A3; plus strand), UGT1A4 (UDP glucuronosyltransferase family 1 member A4; plus strand) and 5 more. Cytogenetic location: 2q37.1.
Variant type: single nucleotide variant.
Coding change: c.1461T>C on transcript NM_000463.3 (MANE Select); coding-DNA position 1461, T replaced by C.
Protein change: p.His487=; no amino-acid change (histidine 487 retained).
Molecular consequence: synonymous variant.
Genome position (GRCh38, 1-based): chr2:233,772,418, T>C. VCF-style: chr2-233772418-T-C. GRCh37 (hg19) VCF-style: chr2-234681064-T-C.
Other names: c.1452T>C, p.His484= (NM_019075.4, NM_019076.5, NM_019077.3 and 1 more transcripts); c.1458T>C, p.His486= (NM_001072.4); c.657T>C, p.His219= (NM_205862.3); c.1464T>C, p.His488= (NM_019078.2, NM_007120.3, NM_019093.4).
Identifiers: ClinVar variation 4987347 (VCV004987347.1).

ClinVar aggregate classification (germline): Likely benign (1 of 4 stars; one submission).

Conditions:
UGT1A1-related disorder. Also called: UGT1A1-related disorders; UGT1A1-related condition.

gnomAD v4.1: 3 of 1,614,060 alleles (0.00019%); highest among the groups gnomAD compares: Admixed American, 0.005%; no homozygotes.

Submission:

PreventionGenetics, part of Exact Sciences
Classification: Likely benign for UGT1A1-related condition. Last evaluated: 2025-03-08. Review status: criteria provided, single submitter. Criteria: ACMG Guidelines, 2015. Collection method: clinical testing. Allele origin: germline.
Comment: This variant is classified as likely benign based on ACMG/AMP sequence variant interpretation guidelines (Richards et al. 2015 PMID: 25741868, with internal and published modifications).